The following is an entry in ClinVar:

NM_007186.6(CEP250):c.5689C>T (p.Arg1897Trp)

Gene: CEP250 (centrosomal protein 250; plus strand). Cytogenetic location: 20q11.22.
Variant type: single nucleotide variant.
Coding change: c.5689C>T on transcript NM_007186.6 (MANE Select); coding-DNA position 5689, C replaced by T.
Protein change: p.Arg1897Trp; replaces arginine 1897 with tryptophan.
Molecular consequence: missense variant.
Genome position (GRCh38, 1-based): chr20:35,504,058, C>T. VCF-style: chr20-35504058-C-T. GRCh37 (hg19) VCF-style: chr20-34091886-C-T.
Other names: c.3793C>T, p.Arg1265Trp (NM_001318219.1); short protein forms R1897W, R1265W.
Identifiers: ClinVar variation 1500455 (VCV001500455.9), dbSNP rs142451996, ClinGen allele CA9833913.

ClinVar aggregate classification (germline): Uncertain significance. Review status: criteria provided, multiple submitters, no conflicts (2 of 4 stars). 2 submissions from 2 submitters: Uncertain significance (2). Last evaluated 2022-10-24.

Allele frequency attached by ClinVar (database versions not stated): gnomAD 0.00002 and 0.00001; TOPMed 0.00002; ESP Exome Variant Server 0.00008; gnomAD exomes below 0.00001 and 0.00001; ExAC 0.00001.
gnomAD v4.1: 17 of 1,606,076 alleles (0.0011%); highest among the groups gnomAD compares: Admixed American, 0.0017%; no homozygotes.

Submissions (2):

Labcorp Genetics (formerly Invitae), Labcorp
Classification: Uncertain significance. Last evaluated: 2022-10-24. Review status: criteria provided, single submitter. Criteria: Invitae Variant Classification Sherloc (09022015). Collection method: clinical testing. Allele origin: germline.
Comment: This variant has not been reported in the literature in individuals affected with CEP250-related conditions. In summary, the available evidence is currently insufficient to determine the role of this variant in disease. Therefore, it has been classified as a Variant of Uncertain Significance. Algorithms developed to predict the effect of missense changes on protein structure and function are either unavailable or do not agree on the potential impact of this missense change (SIFT: "Not Available"; PolyPhen-2: "Possibly Damaging"; Align-GVGD: "Not Available"). ClinVar contains an entry for this variant (Variation ID: 1500455). This variant is present in population databases (rs142451996, gnomAD 0.0009%). This sequence change replaces arginine, which is basic and polar, with tryptophan, which is neutral and slightly polar, at codon 1897 of the CEP250 protein (p.Arg1897Trp).

Blueprint Genetics
Classification: Uncertain significance. Last evaluated: 2022-09-01. Review status: criteria provided, single submitter. Criteria: ACMG Guidelines, 2015. Collection method: clinical testing. Allele origin: germline.